The following is an entry in ClinVar:

ClinVar aggregate classification (germline): Uncertain significance (1 of 4 stars; one submission).

Conditions:
SHORT syndrome. Also called: PIK3R1-Related SHORT Syndrome; SHORT STATURE, HYPEREXTENSIBILITY, HERNIA, OCULAR DEPRESSION, RIEGER ANOMALY, AND TEETHING DELAY; LIPODYSTROPHY, PARTIAL, WITH RIEGER ANOMALY AND SHORT STATURE. Identifiers: Orphanet 3163, MedGen C0878684, MONDO:0010026, OMIM 269880.
Immunodeficiency 36 with lymphoproliferation. Also called: Immunodeficiency 36; ACTIVATED PI3K-DELTA SYNDROME 2; Activated PI3K Delta Syndrome Type 2 (APDS2). Identifiers: Orphanet 397596, Orphanet 693681, MedGen C4014934, MONDO:0014453, OMIM 616005.
Agammaglobulinemia 7, autosomal recessive (AGM7). Also called: AGAMMAGLOBULINEMIA, AUTOSOMAL RECESSIVE, DUE TO PIK3R1 DEFECT. Identifiers: MedGen C3554689, MONDO:0014083, OMIM 615214.

Allele frequency attached by ClinVar (database versions not stated): gnomAD exomes 0.00002; ExAC 0.00003.
gnomAD v4.1: 28 of 1,614,146 alleles (0.0017%); highest among the groups gnomAD compares: Non-Finnish European, 0.0021%; 1 homozygote.

Submission:

Labcorp Genetics (formerly Invitae), Labcorp
Classification: Uncertain significance for SHORT syndrome; Immunodeficiency 36 with lymphoproliferation; Agammaglobulinemia 7, autosomal recessive. Last evaluated: 2025-03-06. Review status: criteria provided, single submitter. Criteria: Invitae Variant Classification Sherloc (09022015). Collection method: clinical testing. Allele origin: germline.
Comment: This sequence change replaces serine, which is neutral and polar, with asparagine, which is neutral and polar, at codon 204 of the PIK3R1 protein (p.Ser204Asn). This variant is present in population databases (rs771919405, gnomAD 0.002%). This variant has not been reported in the literature in individuals affected with PIK3R1-related conditions. ClinVar contains an entry for this variant (Variation ID: 568563). An algorithm developed to predict the effect of missense changes on protein structure and function outputs the following: PolyPhen-2: "Benign". The asparagine amino acid residue is found in multiple mammalian species, which suggests that this missense change does not adversely affect protein function. In summary, the available evidence is currently insufficient to determine the role of this variant in disease. Therefore, it has been classified as a Variant of Uncertain Significance.

NM_181523.3(PIK3R1):c.611G>A (p.Ser204Asn)

Gene: PIK3R1 (phosphoinositide-3-kinase regulatory subunit 1; plus strand). Cytogenetic location: 5q13.1.
Variant type: single nucleotide variant.
Coding change: c.611G>A on transcript NM_181523.3 (MANE Select); coding-DNA position 611, G replaced by A.
Protein change: p.Ser204Asn; replaces serine 204 with asparagine.
Molecular consequence: missense variant.
Genome position (GRCh38, 1-based): chr5:68,279,710, G>A. VCF-style: chr5-68279710-G-A. GRCh37 (hg19) VCF-style: chr5-67575538-G-A.
Other names: short protein forms S204N.
Identifiers: ClinVar variation 568563 (VCV000568563.9), dbSNP rs771919405, ClinGen allele CA3290084.